The following is an entry in ClinVar:

ClinVar aggregate classification (germline): Likely benign. Review status: criteria provided, single submitter (1 of 4 stars). 2 submissions from 2 submitters: Likely benign (1). 1 of the submissions does not count toward it. Last evaluated 2025-12-01.

Conditions:
RAI1-related disorder. Also called: RAI1-related condition.

Allele frequency attached by ClinVar (database versions not stated): gnomAD 0.00001 and 0.00002; gnomAD exomes 0.00001 and 0.00004; TOPMed 0.00002; ExAC 0.00005; ESP Exome Variant Server 0.00008.
gnomAD v4.1: 12 of 1,591,378 alleles (0.00075%); highest among the groups gnomAD compares: East Asian, 0.011%; no homozygotes.

Submissions (2):

Labcorp Genetics (formerly Invitae), Labcorp
Classification: Likely benign. Last evaluated: 2025-12-01. Review status: criteria provided, single submitter. Criteria: Invitae Variant Classification Sherloc (09022015). Collection method: clinical testing. Allele origin: germline.

PreventionGenetics, part of Exact Sciences
Classification: Likely benign for RAI1-related condition. Last evaluated: 2023-06-16. Review status: no assertion criteria provided. Collection method: clinical testing. Allele origin: germline. Not counted in ClinVar's aggregate classification.
Comment: This variant is classified as likely benign based on ACMG/AMP sequence variant interpretation guidelines (Richards et al. 2015 PMID: 25741868, with internal and published modifications).

NM_030665.4(RAI1):c.2454G>A (p.Val818=)

Gene: RAI1 (retinoic acid induced 1; plus strand). Cytogenetic location: 17p11.2.
Variant type: single nucleotide variant.
Coding change: c.2454G>A on transcript NM_030665.4 (MANE Select); coding-DNA position 2454, G replaced by A.
Protein change: p.Val818=; no amino-acid change (valine 818 retained).
Molecular consequence: synonymous variant.
Genome position (GRCh38, 1-based): chr17:17,795,402, G>A. VCF-style: chr17-17795402-G-A. GRCh37 (hg19) VCF-style: chr17-17698716-G-A.
Other names: c.2454G>A (NM_030665.3).
Identifiers: ClinVar variation 1616606 (VCV001616606.9), dbSNP rs377325298, ClinGen allele CA8418543.
Genomic context (GRCh38, chr17:17,795,402, plus strand): 5'-CCCTGGGGAGAAGGTGGCCTCGTTGCCCGGGGACTTCAAGCAGGAGGAGGTGGGTGGGGT[G>A]AAGGAGGAGGCAGGTGGGCTGCTGCAGTGCCCCGAGGTGGCCAAGGCTGACCGGTGGCTG-3'
Protein context (NP_109590.3, residues 808-828): GDFKQEEVGG[Val818=]KEEAGGLLQC